The following is an entry in ClinVar:

NM_000455.5(STK11):c.984C>T (p.Thr328=)

Genes: STK11 (serine/threonine kinase 11; plus strand), LOC130062899 (ATAC-STARR-seq lymphoblastoid active region 13597; plus strand). Cytogenetic location: 19p13.3.
Variant type: single nucleotide variant.
Coding change: c.984C>T on transcript NM_000455.5 (MANE Select); coding-DNA position 984, C replaced by T.
Protein change: p.Thr328=; no amino-acid change (threonine 328 retained).
Molecular consequence: synonymous variant. On other transcripts: non-coding transcript variant (1).
Genome position (GRCh38, 1-based): chr19:1,223,048, C>T. VCF-style: chr19-1223048-C-T. GRCh37 (hg19) VCF-style: chr19-1223047-C-T.
Other names: c.984C>T, p.Thr328= (NM_001407255.1).
Identifiers: ClinVar variation 2586608 (VCV002586608.3), dbSNP rs730881965, ClinGen allele CA504707754.

ClinVar aggregate classification (germline): Benign/Likely benign. Review status: criteria provided, multiple submitters, no conflicts (2 of 4 stars). 2 submissions from 2 submitters: Benign (1); Likely benign (1). Last evaluated 2025-03-28.

Conditions:
Peutz-Jeghers syndrome (PJS). Also called: Peutz-Jeghers polyposis; Periorificial lentiginosis syndrome; POLYPOSIS, HAMARTOMATOUS INTESTINAL; POLYPS-AND-SPOTS SYNDROME. Identifiers: Orphanet 2869, MedGen C0031269, MeSH D010580, MONDO:0008280, OMIM 175200.
Hereditary cancer-predisposing syndrome. Also called: Tumor predisposition; Neoplastic Syndromes, Hereditary; Hereditary Cancer Syndrome; Hereditary neoplastic syndrome. Identifiers: Orphanet 140162, MedGen C0027672, MeSH D009386, MONDO:0015356.

Submissions (2):

Myriad Genetics, Inc.
Classification: Benign for Peutz-Jeghers syndrome. Last evaluated: 2025-03-28. Review status: criteria provided, single submitter. Criteria: Myriad Autosomal Dominant, Autosomal Recessive and X-Linked Classification Criteria (2023). Collection method: clinical testing. Allele origin: unknown.
Comment: This variant is considered benign. This variant is a silent/synonymous amino acid change and it is not expected to impact splicing.

Ambry Genetics
Classification: Likely benign for Hereditary cancer-predisposing syndrome. Last evaluated: 2023-08-30. Review status: criteria provided, single submitter. Criteria: Ambry Variant Classification Scheme 2023. Collection method: clinical testing. Allele origin: germline.